The following is an entry in ClinVar:

NM_001365536.1(SCN9A):c.1856A>C (p.His619Pro)

Genes: SCN1A-AS1 (SCN1A and SCN9A antisense RNA 1; plus strand), SCN9A (sodium voltage-gated channel alpha subunit 9; minus strand). Cytogenetic location: 2q24.3.
Variant type: single nucleotide variant.
Coding change: c.1856A>C on transcript NM_001365536.1 (MANE Select); coding-DNA position 1856, A replaced by C.
Protein change: p.His619Pro; replaces histidine 619 with proline.
Molecular consequence: missense variant.
Genome position (GRCh38, 1-based): chr2:166,284,571, T>G on the plus strand (A>C on the coding strand, the complement: SCN9A is on the minus strand). VCF-style: chr2-166284571-T-G. GRCh37 (hg19) VCF-style: chr2-167141081-T-G.
Other names: c.1856A>C, p.His619Pro (NM_002977.4); short protein forms H619P.
Identifiers: ClinVar variation 471089 (VCV000471089.9), dbSNP rs757910184, ClinGen allele CA1944416.

ClinVar aggregate classification (germline): Uncertain significance. Review status: criteria provided, multiple submitters, no conflicts (2 of 4 stars). 2 submissions from 2 submitters: Uncertain significance (2). Last evaluated 2025-07-27.

Conditions:
Inborn genetic diseases. Identifiers: MedGen C0950123, MeSH D030342.
Neuropathy, hereditary sensory and autonomic, type 2A (HSAN2A). Also called: ACROOSTEOLYSIS, NEUROGENIC; ACROOSTEOLYSIS, GIACCAI TYPE; MORVAN DISEASE; NEUROPATHY, CONGENITAL SENSORY; NEUROPATHY, HEREDITARY SENSORY RADICULAR, AUTOSOMAL RECESSIVE; NEUROPATHY, HEREDITARY SENSORY, TYPE IIA. Identifiers: Orphanet 970, MedGen C2752089, MONDO:0024309, OMIM 201300.
Generalized epilepsy with febrile seizures plus, type 7 (GEFSP7). Also called: GEFS+, TYPE 7. Identifiers: Orphanet 36387, MedGen C2751778, MONDO:0013470, OMIM 613863.

Allele frequency attached by ClinVar (database versions not stated): TOPMed below 0.00001; gnomAD exomes 0.00001; ExAC 0.00002.
gnomAD v4.1: 20 of 1,614,158 alleles (0.0012%); highest among the groups gnomAD compares: Non-Finnish European, 0.0017%; no homozygotes.

Submissions (2):

Labcorp Genetics (formerly Invitae), Labcorp
Classification: Uncertain significance for Neuropathy, hereditary sensory and autonomic, type 2A; Generalized epilepsy with febrile seizures plus, type 7. Last evaluated: 2025-07-27. Review status: criteria provided, single submitter. Criteria: Invitae Variant Classification Sherloc (09022015). Collection method: clinical testing. Allele origin: germline.
Comment: This sequence change replaces histidine, which is basic and polar, with proline, which is neutral and non-polar, at codon 619 of the SCN9A protein (p.His619Pro). This variant is present in population databases (rs757910184, gnomAD 0.003%). This variant has not been reported in the literature in individuals affected with SCN9A-related conditions. ClinVar contains an entry for this variant (Variation ID: 471089). Invitae Evidence Modeling of protein sequence and biophysical properties (such as structural, functional, and spatial information, amino acid conservation, physicochemical variation, residue mobility, and thermodynamic stability) indicates that this missense variant is not expected to disrupt SCN9A protein function with a negative predictive value of 95%. In summary, the available evidence is currently insufficient to determine the role of this variant in disease. Therefore, it has been classified as a Variant of Uncertain Significance.

Ambry Genetics
Classification: Uncertain significance for Inborn genetic diseases. Last evaluated: 2021-01-13. Review status: criteria provided, single submitter. Criteria: Ambry Variant Classification Scheme 2023. Collection method: clinical testing. Allele origin: germline.
Comment: The p.H619P variant (also known as c.1856A>C), located in coding exon 11 of the SCN9A gene, results from an A to C substitution at nucleotide position 1856. The histidine at codon 619 is replaced by proline, an amino acid with similar properties. This amino acid position is well conserved in available vertebrate species. In addition, this alteration is predicted to be deleterious by in silico analysis. Since supporting evidence is limited at this time, the clinical significance of this alteration remains unclear.